The following is an entry in ClinVar:

ClinVar aggregate classification (germline): Likely benign. Review status: criteria provided, multiple submitters, no conflicts (2 of 4 stars). 3 submissions from 3 submitters: Likely benign (3). Last evaluated 2026-05-10.

Conditions:
ABCC6-related disorder. Also called: ABCC6-related condition.

Allele frequency attached by ClinVar (database versions not stated): gnomAD 0.00001; TOPMed 0.00001; ExAC 0.00002.
gnomAD v4.1: 18 of 1,603,802 alleles (0.0011%); highest among the groups gnomAD compares: South Asian, 0.0055%; no homozygotes.

Submissions (3):

PreventionGenetics, part of Exact Sciences
Classification: Likely benign for ABCC6-related condition. Last evaluated: 2026-05-10. Review status: criteria provided, single submitter. Criteria: ACMG Guidelines, 2015. Collection method: clinical testing. Allele origin: germline.
Comment: This variant is classified as likely benign based on ACMG/AMP sequence variant interpretation guidelines (Richards et al. 2015 PMID: 25741868, with internal and published modifications).

Labcorp Genetics (formerly Invitae), Labcorp
Classification: Likely benign. Last evaluated: 2025-11-28. Review status: criteria provided, single submitter. Criteria: Invitae Variant Classification Sherloc (09022015). Collection method: clinical testing. Allele origin: germline.

Blueprint Genetics
Classification: Likely benign. Last evaluated: 2024-09-13. Review status: criteria provided, single submitter. Criteria: ACMG Guidelines, 2015. Collection method: clinical testing. Allele origin: germline.

NM_001171.6(ABCC6):c.4403+17G>A

Genes: ABCC6 (ATP binding cassette subfamily C member 6; minus strand), LOC125146421 (Sharpr-MPRA regulatory region 15590; plus strand). Cytogenetic location: 16p13.11.
Variant type: single nucleotide variant.
Coding change: c.4403+17G>A on transcript NM_001171.6 (MANE Select); 17 bases into the intron after coding-DNA position 4403, G replaced by A.
Molecular consequence: intron variant.
Genome position (GRCh38, 1-based): chr16:16,150,561, C>T on the plus strand (G>A on the coding strand, the complement: ABCC6 is on the minus strand). VCF-style: chr16-16150561-C-T. GRCh37 (hg19) VCF-style: chr16-16244418-C-T.
Other names: c.4403+17G>A (NM_001171.5); c.4061+17G>A (NM_001351800.1).
Identifiers: ClinVar variation 3022821 (VCV003022821.5), dbSNP rs748804392, ClinGen allele CA7925199.